The following is an entry in ClinVar:

NM_144997.7(FLCN):c.1396G>A (p.Val466Met)

Gene: FLCN (folliculin; minus strand). Cytogenetic location: 17p11.2.
Variant type: single nucleotide variant.
Coding change: c.1396G>A on transcript NM_144997.7 (MANE Select); coding-DNA position 1396, G replaced by A.
Protein change: p.Val466Met; replaces valine 466 with methionine.
Molecular consequence: missense variant.
Genome position (GRCh38, 1-based): chr17:17,215,221, C>T on the plus strand (G>A on the coding strand, the complement: FLCN is on the minus strand). VCF-style: chr17-17215221-C-T. GRCh37 (hg19) VCF-style: chr17-17118535-C-T.
Other names: c.1450G>A, p.Val484Met (NM_001353229.2); c.1396G>A, p.Val466Met (NM_001353230.2, NM_001353231.2); short protein forms V466M, V484M.
Identifiers: ClinVar variation 2198015 (VCV002198015.6), dbSNP rs2544145797, ClinGen allele CA398531207.
Genomic context (GRCh38, chr17:17,215,221, plus strand): 5'-GACACTCTGCCTGGGGGCACCCACCTCGGTCTGCAGCTACAGGGCTCCCACTGGTCACCA[C>T]AAACTCGTACTTGCTGAGAGACTGGTCATCCTCACACCCCACAGGGTGGAGGGTGGAACG-3'
Protein context (NP_659434.2, residues 456-476): DDQSLSKYEF[Val466Met]VTSGSPVAAD

ClinVar aggregate classification (germline): Uncertain significance. Review status: criteria provided, multiple submitters, no conflicts (2 of 4 stars). 3 submissions from 3 submitters: Uncertain significance (3). Last evaluated 2025-10-15.

Conditions:
Hereditary cancer-predisposing syndrome. Also called: Neoplastic Syndromes, Hereditary; Tumor predisposition; Hereditary neoplastic syndrome; Hereditary Cancer Syndrome. Identifiers: Orphanet 140162, MedGen C0027672, MeSH D009386, MONDO:0015356.
Birt-Hogg-Dube syndrome. Also called: Birt Hogg Dubé syndrome. Identifiers: Orphanet 122, MedGen C0346010, MONDO:0800444.
Birt-Hogg-Dube syndrome 1 (BHD1). Also called: FIBROFOLLICULOMAS WITH TRICHODISCOMAS AND ACROCHORDONS. Identifiers: Orphanet 122, MedGen CN375946, MONDO:0800445, OMIM 135150.
Nonpapillary renal cell carcinoma. Identifiers: Orphanet 422526, MedGen CN074294, MONDO:0007763, OMIM 144700.
Colorectal cancer. Also called: Colorectal cancer, somatic; Malignant Colorectal Neoplasm. Identifiers: MedGen C0346629, MONDO:0005575, OMIM 114500.
Familial spontaneous pneumothorax (PSP). Identifiers: Orphanet 2903, MedGen C1868193, MONDO:0008259, OMIM 173600.

Submissions (3):

Labcorp Genetics (formerly Invitae), Labcorp
Classification: Uncertain significance for Birt-Hogg-Dube syndrome. Last evaluated: 2025-10-15. Review status: criteria provided, single submitter. Criteria: Invitae Variant Classification Sherloc (09022015). Collection method: clinical testing. Allele origin: germline.
Comment: This sequence change replaces valine, which is neutral and non-polar, with methionine, which is neutral and non-polar, at codon 466 of the FLCN protein (p.Val466Met). This variant is not present in population databases (gnomAD no frequency). This variant has not been reported in the literature in individuals affected with FLCN-related conditions. ClinVar contains an entry for this variant (Variation ID: 2198015). Invitae Evidence Modeling of protein sequence and biophysical properties (such as structural, functional, and spatial information, amino acid conservation, physicochemical variation, residue mobility, and thermodynamic stability) indicates that this missense variant is not expected to disrupt FLCN protein function with a negative predictive value of 80%. In summary, the available evidence is currently insufficient to determine the role of this variant in disease. Therefore, it has been classified as a Variant of Uncertain Significance.

Ambry Genetics
Classification: Uncertain significance for Hereditary cancer-predisposing syndrome. Last evaluated: 2024-09-15. Review status: criteria provided, single submitter. Criteria: Ambry Variant Classification Scheme 2023. Collection method: clinical testing. Allele origin: germline.
Comment: The p.V466M variant (also known as c.1396G>A), located in coding exon 9 of the FLCN gene, results from a G to A substitution at nucleotide position 1396. The valine at codon 466 is replaced by methionine, an amino acid with highly similar properties. This amino acid position is conserved. In addition, the in silico prediction for this alteration is inconclusive. Based on the available evidence, the clinical significance of this variant remains unclear.

Fulgent Genetics
Classification: Uncertain significance for Colorectal cancer; Birt-Hogg-Dube syndrome 1; Nonpapillary renal cell carcinoma; Familial spontaneous pneumothorax. Last evaluated: 2024-05-25. Review status: criteria provided, single submitter. Criteria: ACMG Guidelines, 2015. Collection method: clinical testing. Allele origin: germline.